The following is an entry in ClinVar:

ClinVar aggregate classification (germline): Uncertain significance. Review status: criteria provided, multiple submitters, no conflicts (2 of 4 stars). 2 submissions from 2 submitters: Uncertain significance (2). Last evaluated 2025-10-22.

Conditions:
Inborn genetic diseases. Identifiers: MedGen C0950123, MeSH D030342.
Mucopolysaccharidosis type 6 (MPS6). Also called: ARSB DEFICIENCY; ARYLSULFATASE B DEFICIENCY; N-ACETYLGALACTOSAMINE-4-SULFATASE DEFICIENCY; MPS 6; Maroteaux Lamy syndrome; MPS VI. Identifiers: Orphanet 583, MedGen C0026709, MONDO:0009661, OMIM 253200.

Allele frequency attached by ClinVar (database versions not stated): TOPMed below 0.00001; gnomAD exomes 0.00003.
gnomAD v4.1: 36 of 1,614,010 alleles (0.0022%); highest among the groups gnomAD compares: Non-Finnish European, 0.0031%; no homozygotes.

Submissions (2):

Ambry Genetics
Classification: Uncertain significance for Inborn genetic diseases. Last evaluated: 2025-10-22. Review status: criteria provided, single submitter. Criteria: Ambry Variant Classification Scheme 2023. Collection method: clinical testing. Allele origin: germline.

Labcorp Genetics (formerly Invitae), Labcorp
Classification: Uncertain significance for Mucopolysaccharidosis type 6. Last evaluated: 2022-10-16. Review status: criteria provided, single submitter. Criteria: Invitae Variant Classification Sherloc (09022015). Collection method: clinical testing. Allele origin: germline.
Comment: This sequence change replaces aspartic acid, which is acidic and polar, with valine, which is neutral and non-polar, at codon 416 of the ARSB protein (p.Asp416Val). This variant is not present in population databases (gnomAD no frequency). This variant has not been reported in the literature in individuals affected with ARSB-related conditions. Algorithms developed to predict the effect of missense changes on protein structure and function (SIFT, PolyPhen-2, Align-GVGD) all suggest that this variant is likely to be tolerated. In summary, the available evidence is currently insufficient to determine the role of this variant in disease. Therefore, it has been classified as a Variant of Uncertain Significance.

NM_000046.5(ARSB):c.1247A>T (p.Asp416Val)

Gene: ARSB (arylsulfatase B; minus strand). Cytogenetic location: 5q14.1.
Variant type: single nucleotide variant.
Coding change: c.1247A>T on transcript NM_000046.5 (MANE Select); coding-DNA position 1247, A replaced by T.
Protein change: p.Asp416Val; replaces aspartic acid 416 with valine.
Molecular consequence: missense variant.
Genome position (GRCh38, 1-based): chr5:78,781,941, T>A on the plus strand (A>T on the coding strand, the complement: ARSB is on the minus strand). VCF-style: chr5-78781941-T-A. GRCh37 (hg19) VCF-style: chr5-78077764-T-A.
Other names: c.1247A>T (NM_000046.3); short protein forms D416V.
Identifiers: ClinVar variation 2138889 (VCV002138889.2), dbSNP rs780926335, ClinGen allele CA121679279.